The following is an entry in ClinVar:

ClinVar aggregate classification (germline): Pathogenic (1 of 4 stars; one submission).

Conditions:
Progressive sclerosing poliodystrophy (MTDPS4A). Also called: Alpers-Huttenlocher Syndrome (AHS); Alpers Syndrome; ALPERS PROGRESSIVE INFANTILE POLIODYSTROPHY; Mitochondrial DNA depletion syndrome 4A (Alpers type); ALPERS DIFFUSE DEGENERATION OF CEREBRAL GRAY MATTER WITH HEPATIC CIRRHOSIS; Alpers-Huttenlocher Syndrome. Identifiers: Orphanet 726, MedGen C0205710, MONDO:0008758, OMIM 203700.
Progressive external ophthalmoplegia with mitochondrial DNA deletions, autosomal dominant 1 (PEOA1). Also called: Autosomal Dominant Progressive External Ophthalmoplegia (adPEO); PROGRESSIVE EXTERNAL OPHTHALMOPLEGIA, AUTOSOMAL DOMINANT 1. Identifiers: MedGen C1834846, MONDO:0024528, OMIM 157640.
Mitochondrial DNA depletion syndrome 4b. Also called: Mitochondrial Neurogastrointestinal Encephalopathy Disease, POLG-Related; MNGIE, POLG-RELATED. Identifiers: Orphanet 298, MedGen C3150914, MONDO:0013350, OMIM 613662.
Progressive external ophthalmoplegia with mitochondrial DNA deletions. Identifiers: MedGen CN294859, MONDO:0000090.
Sensory ataxic neuropathy, dysarthria, and ophthalmoparesis (SANDO). Also called: Ataxia Neuropathy Spectrum (ANS); Sensory ataxic neuropathy-dysarthria-ophthalmoparesis syndrome; SENSORY ATAXIC NEUROPATHY WITH MITOCHONDRIAL DNA DELETIONS, AUTOSOMAL RECESSIVE; Epilepsy, progressive myoclonic, type 5. Identifiers: Orphanet 70595, MedGen C1843851, MONDO:0011835, OMIM 607459.
Spinocerebellar ataxia with epilepsy. Also called: Myoclonic Epilepsy Myopathy Sensory Ataxia (MEMSA). Identifiers: Orphanet 254881, MedGen C1843852, MONDO:0016809.

Submission:

Labcorp Genetics (formerly Invitae), Labcorp
Classification: Pathogenic for Progressive sclerosing poliodystrophy. Last evaluated: 2022-11-02. Review status: criteria provided, single submitter. Criteria: Invitae Variant Classification Sherloc (09022015). Collection method: clinical testing. Allele origin: germline.
Comment: For these reasons, this variant has been classified as Pathogenic. ClinVar contains an entry for this variant (Variation ID: 640935). This variant has not been reported in the literature in individuals affected with POLG-related conditions. This variant is not present in population databases (gnomAD no frequency). This sequence change creates a premature translational stop signal (p.Ser1086Leufs*22) in the POLG gene. It is expected to result in an absent or disrupted protein product. Loss-of-function variants in POLG are known to be pathogenic (PMID: 18546365).

Literature cited by the submitters: PubMed 18546365 (cited by Labcorp Genetics (formerly Invitae), Labcorp).

NM_002693.3(POLG):c.3255dup (p.Ser1086fs)

Gene: POLG (DNA polymerase gamma, catalytic subunit; minus strand). Cytogenetic location: 15q26.1.
Variant type: Duplication.
Coding change: c.3255dup on transcript NM_002693.3 (MANE Select); coding-DNA position 3255, one base duplicated (C; older notation c.3255dupC).
Protein change: p.Ser1086fs; shifts the reading frame from serine 1086.
Molecular consequence: frameshift variant.
Genome position (GRCh38, 1-based): chr15:89,318,949, G duplicated on the plus strand (C on the coding strand, the reverse complement: POLG is on the minus strand); the first of 3 consecutive G bases (chr15:89,318,949-89,318,951); duplicating any one gives the same sequence. VCF-style (leftmost placement, unchanged base first): chr15-89318948-A-AG. GRCh37 (hg19) VCF-style: chr15-89862179-A-AG.
Other names: c.3255dup, p.Ser1086fs (NM_001126131.2); short protein forms S1086fs.
Identifiers: ClinVar variation 640935 (VCV000640935.9), dbSNP rs1596350386, ClinGen allele CA915946122.